The following is an entry in ClinVar:

NM_000071.3(CBS):c.1644G>C (p.Arg548=)

Gene: CBS (cystathionine beta-synthase; minus strand). Cytogenetic location: 21q22.3.
Variant type: single nucleotide variant.
Coding change: c.1644G>C on transcript NM_000071.3 (MANE Select); coding-DNA position 1644, G replaced by C.
Protein change: p.Arg548=; no amino-acid change (arginine 548 retained).
Molecular consequence: synonymous variant.
Genome position (GRCh38, 1-based): chr21:43,053,892, C>G on the plus strand (G>C on the coding strand, the complement: CBS is on the minus strand). VCF-style: chr21-43053892-C-G. GRCh37 (hg19) VCF-style: chr21-44474002-C-G.
Other names: c.1644G>C, p.Arg548= (NM_001178008.3, NM_001178009.3, NM_001320298.2); c.1329G>C, p.Arg443= (NM_001321072.1).
Identifiers: ClinVar variation 263392 (VCV000263392.19), dbSNP rs143945898, ClinGen allele CA10587934.

ClinVar aggregate classification (germline): Likely benign. Review status: criteria provided, multiple submitters, no conflicts (2 of 4 stars). 3 submissions from 3 submitters: Likely benign (2). 1 of the submissions does not count toward it. Last evaluated 2026-01-09.

Conditions:
CBS-related disorder. Also called: CBS-related condition.
Familial thoracic aortic aneurysm and aortic dissection (TAAD). Also called: Thoracic aortic aneurysms and dissections. Identifiers: Orphanet 91387, MedGen C4707243, MONDO:0019625.
HYPERHOMOCYSTEINEMIA, THROMBOTIC, CBS-RELATED. Identifiers: MedGen C3150344, OMIM 236200.

Allele frequency attached by ClinVar (database versions not stated): gnomAD exomes 0.00006; ExAC 0.00010; 1000 Genomes Project 0.00080; gnomAD 0.00016; ESP Exome Variant Server 0.00023.

Submissions (3):

Labcorp Genetics (formerly Invitae), Labcorp
Classification: Likely benign for HYPERHOMOCYSTEINEMIA, THROMBOTIC, CBS-RELATED. Last evaluated: 2026-01-09. Review status: criteria provided, single submitter. Criteria: Invitae Variant Classification Sherloc (09022015). Collection method: clinical testing. Allele origin: germline.

Ambry Genetics
Classification: Likely benign for Familial thoracic aortic aneurysm and aortic dissection. Last evaluated: 2022-09-02. Review status: criteria provided, single submitter. Criteria: Ambry Variant Classification Scheme 2023. Collection method: clinical testing. Allele origin: germline.

PreventionGenetics, part of Exact Sciences
Classification: Likely benign for CBS-related condition. Last evaluated: 2020-10-26. Review status: no assertion criteria provided. Collection method: clinical testing. Allele origin: germline. Not counted in ClinVar's aggregate classification.
Comment: This variant is classified as likely benign based on ACMG/AMP sequence variant interpretation guidelines (Richards et al. 2015 PMID: 25741868, with internal and published modifications).